The following is an entry in ClinVar:

NM_001384900.1(SEMA3D):c.1272C>A (p.His424Gln)

Gene: SEMA3D (semaphorin 3D; minus strand). Cytogenetic location: 7q21.11.
Variant type: single nucleotide variant.
Coding change: c.1272C>A on transcript NM_001384900.1 (MANE Select); coding-DNA position 1272, C replaced by A.
Protein change: p.His424Gln; replaces histidine 424 with glutamine.
Molecular consequence: missense variant.
Genome position (GRCh38, 1-based): chr7:85,022,533, G>T on the plus strand (C>A on the coding strand, the complement: SEMA3D is on the minus strand). VCF-style: chr7-85022533-G-T. GRCh37 (hg19) VCF-style: chr7-84651849-G-T.
Other names: c.1272C>A, p.His424Gln (NM_001384901.1, NM_001384902.1, NM_001384903.1 and 1 more transcripts); short protein forms H424Q.
Identifiers: ClinVar variation 523626 (VCV000523626.32), dbSNP rs141893504, ClinGen allele CA4323479.

ClinVar aggregate classification (germline): Conflicting classifications of pathogenicity. Review status: criteria provided, conflicting classifications (1 of 4 stars). 5 submissions from 5 submitters: Uncertain significance (1); Benign (1); Likely benign (1). 2 of the submissions do not count toward it. Last evaluated 2026-07-01.

Conditions:
Aganglionic megacolon (HSCR). Also called: Hirschsprung's disease; Hirschsprung disease. Identifiers: Orphanet 388, MedGen C0019569, MeSH D006627, MONDO:0018309, HP:0002251.
SEMA3D-related disorder. Also called: SEMA3D-related condition.

Allele frequency attached by ClinVar (database versions not stated): 1000 Genomes Project 30x 0.00203; 1000 Genomes Project 0.00240; ESP Exome Variant Server 0.00354; ExAC 0.00372; gnomAD exomes 0.00400 and 0.00504; TOPMed 0.00414; gnomAD 0.00419 and 0.00428.

Submissions (5):

CeGaT Center for Human Genetics Tuebingen
Classification: Benign. Last evaluated: 2026-07-01. Review status: criteria provided, single submitter. Criteria: CeGaT Center For Human Genetics Tuebingen Variant Classification Criteria Version 2. Collection method: clinical testing. Allele origin: germline. Affected: yes. Observed: 7 variant alleles.
Comment: SEMA3D: BS1, BS2

Labcorp Genetics (formerly Invitae), Labcorp
Classification: Likely benign. Last evaluated: 2019-12-31. Review status: criteria provided, single submitter. Criteria: Invitae Variant Classification Sherloc (09022015). Collection method: clinical testing. Allele origin: germline.

Center of Genomic medicine, Geneva, University Hospital of Geneva
Classification: Uncertain significance for Hirschsprung disease. Last evaluated: 2017-11-20. Review status: criteria provided, single submitter. Criteria: ACMG Guidelines, 2015. Collection method: clinical testing. Allele origin: germline. Affected: yes.

PreventionGenetics, part of Exact Sciences
Classification: Benign for SEMA3D-related condition. Last evaluated: 2019-05-23. Review status: no assertion criteria provided. Collection method: clinical testing. Allele origin: germline. Not counted in ClinVar's aggregate classification.
Comment: This variant is classified as benign based on ACMG/AMP sequence variant interpretation guidelines (Richards et al. 2015 PMID: 25741868, with internal and published modifications).

Human Genomics Unit, Institute for molecular medicine Finland (FIMM)
Classification: Likely pathogenic for Hirschsprung disease. Review status: flagged submission. Collection method: research. Allele origin: unknown. Affected: yes. Observed: 1 variant allele. Not counted in ClinVar's aggregate classification.
ClinVar note: Reason: Outlier claim with insufficient supporting evidence